The following is an entry in ClinVar:

ClinVar aggregate classification (germline): Likely benign. Review status: criteria provided, single submitter (1 of 4 stars). 2 submissions from 2 submitters: Likely benign (1). 1 of the submissions does not count toward it. Last evaluated 2025-08-16.

Conditions:
RSPO1-related disorder. Also called: RSPO1-related condition.

Allele frequency attached by ClinVar (database versions not stated): ExAC 0.00011; 1000 Genomes Project 30x 0.00031; 1000 Genomes Project 0.00040; gnomAD 0.00047; ESP Exome Variant Server 0.00049; TOPMed 0.00059.

Submissions (2):

Labcorp Genetics (formerly Invitae), Labcorp
Classification: Likely benign. Last evaluated: 2025-08-16. Review status: criteria provided, single submitter. Criteria: Invitae Variant Classification Sherloc (09022015). Collection method: clinical testing. Allele origin: germline.

PreventionGenetics, part of Exact Sciences
Classification: Likely benign for RSPO1-related condition. Last evaluated: 2023-11-22. Review status: no assertion criteria provided. Collection method: clinical testing. Allele origin: germline. Not counted in ClinVar's aggregate classification.
Comment: This variant is classified as likely benign based on ACMG/AMP sequence variant interpretation guidelines (Richards et al. 2015 PMID: 25741868, with internal and published modifications).

NM_001242908.2(RSPO1):c.417C>G (p.Thr139=)

Gene: RSPO1 (R-spondin 1; minus strand). Cytogenetic location: 1p34.3.
Variant type: single nucleotide variant.
Coding change: c.417C>G on transcript NM_001242908.2 (MANE Select); coding-DNA position 417, C replaced by G.
Protein change: p.Thr139=; no amino-acid change (threonine 139 retained).
Molecular consequence: synonymous variant.
Genome position (GRCh38, 1-based): chr1:37,614,203, G>C on the plus strand (C>G on the coding strand, the complement: RSPO1 is on the minus strand). VCF-style: chr1-37614203-G-C. GRCh37 (hg19) VCF-style: chr1-38079875-G-C.
Other names: c.417C>G, p.Thr139= (NM_001038633.4, NM_001242910.2); c.336C>G, p.Thr112= (NM_001242909.2); c.417C>G (NM_001038633.3).
Identifiers: ClinVar variation 2046183 (VCV002046183.6), dbSNP rs112229653, ClinGen allele CA772644.